The following is an entry in ClinVar:

ClinVar aggregate classification (germline): Uncertain significance (1 of 4 stars; one submission).

Conditions:
Hypertrophic cardiomyopathy 19. Also called: Familial hypertrophic cardiomyopathy 19. Identifiers: MedGen CN077603, MONDO:0013476.

Submission:

Labcorp Genetics (formerly Invitae), Labcorp
Classification: Uncertain significance for Hypertrophic cardiomyopathy 19. Last evaluated: 2018-05-22. Review status: criteria provided, single submitter. Criteria: Invitae Variant Classification Sherloc (09022015). Collection method: clinical testing. Allele origin: germline.
Comment: This variant is a copy number gain of the genomic region encompassing¬†exons 1-5 and the first 42 nucleotides of exon 6 of the CALR3 gene¬†(c.-20-?_722dup).¬†¬†The 5' end of this event is unknown as it extends beyond the assayed region for this gene and therefore may encompass additional genes. The 3' boundary is likely confined to exon 6 of the CALR3 gene. As the precise location of this event is unknown, it may be in tandem or it may be located elsewhere in the genome. This variant has not been reported in the literature in individuals with CALR3-related disease. In summary, the available evidence is currently insufficient to determine the role of this variant in disease. Therefore, it has been classified as a Variant of Uncertain Significance. The current clinical and genetic evidence is not sufficient to establish whether loss-of-function variants in CALR3 cause disease.

NC_000019.9:g.(?_16593553)_(16606960_?)dup

Genes: CALR3 (calreticulin 3; minus strand), LOC125371488 (Sharpr-MPRA regulatory region 3003; plus strand). Cytogenetic location: 19p13.11.
Variant type: Duplication.
Identifiers: ClinVar variation 584207 (VCV000584207.7).